The following is an entry in ClinVar:

ClinVar aggregate classification (germline): Uncertain significance (1 of 4 stars; one submission).

Allele frequency attached by ClinVar (database versions not stated): TOPMed below 0.00001; ExAC 0.00001; gnomAD exomes 0.00001.
gnomAD v4.1: 20 of 1,613,968 alleles (0.0012%); highest among the groups gnomAD compares: South Asian, 0.0099%; no homozygotes.

Submission:

Labcorp Genetics (formerly Invitae), Labcorp
Classification: Uncertain significance. Last evaluated: 2020-02-07. Review status: criteria provided, single submitter. Criteria: Invitae Variant Classification Sherloc (09022015). Collection method: clinical testing. Allele origin: germline.
Comment: This sequence change replaces arginine with glutamine at codon 128 of the RGS9 protein (p.Arg128Gln). The arginine residue is moderately conserved and there is a small physicochemical difference between arginine and glutamine. This variant is present in population databases (rs755297304, ExAC 0.006%). This variant has not been reported in the literature in individuals with RGS9-related conditions. Algorithms developed to predict the effect of missense changes on protein structure and function are either unavailable or do not agree on the potential impact of this missense change (SIFT: "Deleterious"; PolyPhen-2: "Benign"; Align-GVGD: "Class C0"). In summary, the available evidence is currently insufficient to determine the role of this variant in disease. Therefore, it has been classified as a Variant of Uncertain Significance.

NM_003835.4(RGS9):c.383G>A (p.Arg128Gln)

Gene: RGS9 (regulator of G protein signaling 9; plus strand). Cytogenetic location: 17q24.1.
Variant type: single nucleotide variant.
Coding change: c.383G>A on transcript NM_003835.4 (MANE Select); coding-DNA position 383, G replaced by A.
Protein change: p.Arg128Gln; replaces arginine 128 with glutamine.
Molecular consequence: missense variant.
Genome position (GRCh38, 1-based): chr17:65,160,869, G>A. VCF-style: chr17-65160869-G-A. GRCh37 (hg19) VCF-style: chr17-63156987-G-A.
Other names: c.383G>A, p.Arg128Gln (NM_001081955.3, NM_001165933.2); short protein forms R128Q.
Identifiers: ClinVar variation 1034565 (VCV001034565.9), dbSNP rs755297304, ClinGen allele CA8717651.